The following is an entry in ClinVar:

NM_001710.6(CFB):c.64G>A (p.Gly22Ser)

Gene: CFB (complement factor B; plus strand). Cytogenetic location: 6p21.33.
Variant type: single nucleotide variant.
Coding change: c.64G>A on transcript NM_001710.6 (MANE Select); coding-DNA position 64, G replaced by A.
Protein change: p.Gly22Ser; replaces glycine 22 with serine.
Molecular consequence: missense variant.
Genome position (GRCh38, 1-based): chr6:31,946,285, G>A. VCF-style: chr6-31946285-G-A. GRCh37 (hg19) VCF-style: chr6-31914062-G-A.
Other names: short protein forms G22S.
Identifiers: ClinVar variation 1375925 (VCV001375925.8), dbSNP rs1411072076, ClinGen allele CA363387632.

ClinVar aggregate classification (germline): Uncertain significance (1 of 4 stars; one submission).

Allele frequency attached by ClinVar (database versions not stated): gnomAD exomes below 0.00001; gnomAD 0.00001; TOPMed 0.00001.
gnomAD v4.1: 3 of 1,612,982 alleles (0.00019%); highest among the groups gnomAD compares: Non-Finnish European, 0.00017%; no homozygotes.

Submission:

Labcorp Genetics (formerly Invitae), Labcorp
Classification: Uncertain significance. Last evaluated: 2024-02-08. Review status: criteria provided, single submitter. Criteria: Invitae Variant Classification Sherloc (09022015). Collection method: clinical testing. Allele origin: germline.
Comment: This sequence change replaces glycine, which is neutral and non-polar, with serine, which is neutral and polar, at codon 22 of the CFB protein (p.Gly22Ser). This variant is not present in population databases (gnomAD no frequency). This variant has not been reported in the literature in individuals affected with CFB-related conditions. ClinVar contains an entry for this variant (Variation ID: 1375925). An algorithm developed to predict the effect of missense changes on protein structure and function (PolyPhen-2) suggests that this variant is likely to be tolerated. Algorithms developed to predict the effect of sequence changes on RNA splicing suggest that this variant may disrupt the consensus splice site. In summary, the available evidence is currently insufficient to determine the role of this variant in disease. Therefore, it has been classified as a Variant of Uncertain Significance.